The following continues an entry in ClinVar:

NM_007194.4(CHEK2):c.1263del (p.Ser422fs)

Gene: CHEK2. ClinVar aggregate classification (germline): Pathogenic/Likely pathogenic. Pathogenic (28); Likely pathogenic (1).

Submissions 10 to 27 of 33:

Ambry Genetics
Classification: Pathogenic for Hereditary cancer-predisposing syndrome. Last evaluated: 2024-08-08. Review status: criteria provided, single submitter. Criteria: Ambry Variant Classification Scheme 2023. Collection method: clinical testing. Allele origin: germline.
Comment: The c.1263delT pathogenic mutation, located in coding exon 11 of the CHEK2 gene, results from a deletion of one nucleotide at nucleotide position 1263, causing a translational frameshift with a predicted alternate stop codon (p.S422Vfs*15). This mutation has been reported in individuals with multiple cancer types including female breast, male breast, prostate, urethral, bladder, renal, pancreatic, colon, and sarcoma (Le Calvez-Kelm F et al. Breast Cancer Res, 2011 Jan;13:R6; Leongamornlert D et al. Br. J. Cancer, 2014 Mar;110:1663-72; Mauer CB et al. Genet. Med., 2014 May;16:407-12; Byers H et al. Eur J Hum Genet, 2016 11;24:1591-1597; Susswein LR et al. Genet Med, 2016 08;18:823-32; Leedom TP et al. Cancer Genet, 2016 09;209:403-407; AlDubayan SH et al. JAMA Oncol, 2019 Apr;5:514-522; Matejcic M et al. JCO Precis Oncol, 2020 Jan;4:32-43; Smith PS et al. Genes Chromosomes Cancer, 2021 01;60:5-16; Lerner-Ellis J et al. J Cancer Res Clin Oncol, 2021 Mar;147:871-879). In one study, this variant was reported in 25/60,466 breast cancer cases as well as 5/53,461 controls (Dorling et al. N Engl J Med. 2021 02;384:428-439). In addition to the clinical data presented in the literature, this alteration is expected to result in loss of function by premature protein truncation or nonsense-mediated mRNA decay. As such, this alteration is interpreted as a disease-causing mutation.

Blueprint Genetics
Classification: Pathogenic for CHEK2-related disorders. Last evaluated: 2024-06-17. Review status: criteria provided, single submitter. Criteria: ACMG Guidelines, 2015. Collection method: clinical testing. Allele origin: germline. Affected: yes. Observed: 4 variant alleles.

Baylor Genetics
Classification: Pathogenic for Familial cancer of breast. Last evaluated: 2024-03-24. Review status: criteria provided, single submitter. Criteria: ACMG Guidelines, 2015. Collection method: clinical testing. Allele origin: unknown.

Fulgent Genetics
Classification: Pathogenic for Familial prostate cancer; Bone osteosarcoma; CHEK2-related cancer predisposition. Last evaluated: 2024-03-05. Review status: criteria provided, single submitter. Criteria: ACMG Guidelines, 2015. Collection method: clinical testing. Allele origin: germline.

Greenwood Genetic Center Diagnostic Laboratories, Greenwood Genetic Center
Classification: Pathogenic for CHEK2-related cancer predisposition. Last evaluated: 2023-04-28. Review status: criteria provided, single submitter. Criteria: ACMG Guidelines, 2015. Collection method: clinical testing. Allele origin: germline.
Comment: PVS1, PS4

Myriad Genetics, Inc.
Classification: Pathogenic for Familial cancer of breast. Last evaluated: 2023-03-09. Review status: criteria provided, single submitter. Criteria: Myriad Autosomal Dominant, Autosomal Recessive and X-Linked Classification Criteria (2023). Collection method: clinical testing. Allele origin: unknown.
Comment: This variant is considered pathogenic. This variant creates a frameshift predicted to result in premature protein truncation.

Centre for Mendelian Genomics, University Medical Centre Ljubljana
Classification: Pathogenic for Familial cancer of breast. Last evaluated: 2022-12-09. Review status: criteria provided, single submitter. Criteria: ACMG Guidelines, 2015. Collection method: research. Allele origin: germline. Affected: no.
Comment: PVS1, PS4_STR

Institute for Genomic Medicine (IGM) Clinical Laboratory, Nationwide Children's Hospital
Classification: Pathogenic for CHEK2-related cancer predisposition. Last evaluated: 2022-07-05. Review status: criteria provided, single submitter. Criteria: ACMG Guidelines, 2015. Collection method: clinical testing. Allele origin: germline.
Comment: This variant is predicted to result in loss of function through nonsense-mediated decay of the encoded transcript or premature truncation of the encoded protein in a gene in which loss of function is a known mechanism of disease (ACMG/AMP: PVS1; PMIDs:15492928, 21876083). This variant has been reported at an elevated frequency in affected individuals/in multiple affected individuals in the literature (ACMG/AMP: PS4; PMIDs:21244692, 24113346, 24556621, 26534844, 26681312).

CHEO Genetics Diagnostic Laboratory, Children's Hospital of Eastern Ontario
Classification: Pathogenic for Breast and/or ovarian cancer. Last evaluated: 2022-02-28. Review status: criteria provided, single submitter. Criteria: ACMG Guidelines, 2015. Collection method: clinical testing. Allele origin: germline.

Quest Diagnostics Nichols Institute San Juan Capistrano
Classification: Pathogenic. Last evaluated: 2022-02-10. Review status: criteria provided, single submitter. Criteria: Quest Diagnostics criteria. Collection method: clinical testing. Allele origin: unknown.
Comment: This frameshift variant alters the translational reading frame of the CHEK2 mRNA and causes the premature termination of CHEK2 protein synthesis. This variant has not been reported in large, multi-ethnic general populations. In the published literature, the variant has been reported in individuals with breast cancer (PMIDs: 27273131 (2016), 26534844 (2016), 21244692 (2011)) and prostate cancer (PMID: 24556621 (2014)). Based on the available information, this variant is classified as pathogenic.

Genetics and Molecular Pathology, SA Pathology
Classification: Pathogenic for Familial cancer of breast. Last evaluated: 2021-11-26. Review status: criteria provided, single submitter. Criteria: ACMG Guidelines, 2015. Collection method: clinical testing. Allele origin: germline. Inheritance: Autosomal dominant inheritance. Affected: yes.

Sema4
Classification: Pathogenic for Hereditary cancer-predisposing syndrome. Last evaluated: 2021-11-01. Review status: criteria provided, single submitter. Criteria: Sema4 Curation Guidelines. Collection method: curation. Allele origin: germline.
Comment: The CHEK2 c.1263delT (p.S422VfsX15) variant has been reported in numerous individuals with breast, prostate, bladder, colon, or urethral cancer (PMID: 33471991, 21244692, 24556621, 26681312). This variant causes a frameshift at amino acid 422 that results in premature termination 15 amino acids downstream. At this location, this is predicted to cause nonsense-mediated decay and result in an absent protein (loss of function). Loss-of-function variants in CHEK2 are known to be pathogenic (PMID: 21876083, 24713400). This variant was observed in 11/128472 chromosomes in the Non-Finnish European population, according to the Genome Aggregation Database (PMID: 32461654). This variant has been reported in ClinVar (Variation ID: 128053). Based on the current evidence available, this variant is interpreted as pathogenic.

Revvity Omics, Revvity
Classification: Pathogenic. Last evaluated: 2021-04-28. Review status: criteria provided, single submitter. Criteria: ACMG Guidelines, 2015. Collection method: clinical testing. Allele origin: germline.

GeneDx
Classification: Pathogenic. Last evaluated: 2020-06-18. Review status: criteria provided, single submitter. Criteria: GeneDx Variant Classification Process June 2021. Collection method: clinical testing. Allele origin: germline. Affected: yes.
Comment: Frameshift variant predicted to result in protein truncation or nonsense mediated decay in a gene for which loss-of-function is a known mechanism of disease; Not observed at a significant frequency in large population cohorts (Lek 2016); Also known as c.1392delT (p.Ser465ValfsX15); This variant is associated with the following publications: (PMID: 25431674, 24113346, 28779002, 29961768, 29625052, 21244692, 26681312, 24556621, 27273131, 27751358, 26787654, 28152038, 26534844, 29287968, 29520813, 29909963, 24763289, 30676620, 31263054, 31447099, 32832836)

Cambridge Genomics Laboratory, East Genomic Laboratory Hub, NHS Genomic Medicine Service
Classification: Pathogenic for Cancer or benign tumor. Last evaluated: 2020-01-20. Review status: criteria provided, single submitter. Criteria: ACGS Best Practice Guidelines for Variant Classification in Rare Disease 2020. Collection method: clinical testing. Allele origin: germline. Affected: yes. Observed: 1 variant allele.

Knight Diagnostic Laboratories, Oregon Health and Sciences University
Classification: Pathogenic for Hereditary cancer-predisposing syndrome. Last evaluated: 2019-06-07. Review status: criteria provided, single submitter. Criteria: ACMG Guidelines, 2015. Collection method: clinical testing. Allele origin: germline. Observed: 1 variant allele.

Illumina Laboratory Services, Illumina
Classification: Likely pathogenic for CHEK2-Related Cancer Susceptibility. Last evaluated: 2018-11-01. Review status: criteria provided, single submitter. Criteria: ICSL Variant Classification Criteria 09 May 2019. Collection method: clinical testing. Allele origin: germline.
Comment: The CHEK2 c.1263delT (p.Ser422ValfsTer15) variant results in a frameshift and is predicted to result in premature termination of the protein. The p.Ser422ValfsTer15 variant has been reported in at least six studies in at least 25 individuals undergoing hereditary cancer testing or diagnosed with various cancer types (La Calvez-Kelm et al. 2011; Leongamornlert et al. 2014; Mauer et al. 2014; Susswein et al. 2015; Byers et al. 2016; Leedom et al. 2016). Control data are unavailable for this variant, which is reported at a frequency of 0.00010 in the European (non-Finnish) population of the Genome Aggregation Database. Due to the potential impact of frameshift variants, the p.Ser422ValfsTer15 variant is classified as likely pathogenic for CHEK2-related cancer susceptibility. This variant was observed by ICSL as part of a predisposition screen in an ostensibly healthy population.

Genetic Services Laboratory, University of Chicago
Classification: Pathogenic. Last evaluated: 2018-08-23. Review status: criteria provided, single submitter. Criteria: ACMG Guidelines, 2015. Collection method: clinical testing. Allele origin: germline. Affected: yes.
Comment: DNA sequence analysis of the CHEK2 gene demonstrated a one base pair deletion in exon 12, c.1263del. This pathogenic sequence change results in an amino acid frameshift and creates a premature stop codon fourteen amino acids downstream of the mutation, p.Ser422Valfs*15. This pathogenic sequence change is predicted to result in an abnormal transcript, which may be degraded, or may lead to the production of a truncated CHEK2 protein with potentially abnormal function. This pathogenic sequence change has previously been described in patients with CHEK2-related cancers (PMIDs: 21244692, 24113346, 24556621, 26681312).